The following is an entry in ClinVar:

ClinVar aggregate classification (germline): Uncertain significance. Review status: criteria provided, multiple submitters, no conflicts (2 of 4 stars). 2 submissions from 2 submitters: Uncertain significance (2). Last evaluated 2024-05-30.

Conditions:
Combined immunodeficiency due to OX40 deficiency. Also called: Immunodeficiency 16; OX40 DEFICIENCY. Identifiers: Orphanet 431149, MedGen C3810053, MONDO:0014268, OMIM 615593.

Allele frequency attached by ClinVar (database versions not stated): TOPMed 0.00001.
gnomAD v4.1: 24 of 1,602,982 alleles (0.0015%); highest among the groups gnomAD compares: East Asian, 0.0023%; no homozygotes.

Submissions (2):

Ambry Genetics
Classification: Uncertain significance. Last evaluated: 2024-05-30. Review status: criteria provided, single submitter. Criteria: Ambry Variant Classification Scheme 2023. Collection method: clinical testing. Allele origin: germline.

Labcorp Genetics (formerly Invitae), Labcorp
Classification: Uncertain significance for Combined immunodeficiency due to OX40 deficiency. Last evaluated: 2022-01-17. Review status: criteria provided, single submitter. Criteria: Invitae Variant Classification Sherloc (09022015). Collection method: clinical testing. Allele origin: germline.
Comment: This sequence change replaces arginine, which is basic and polar, with histidine, which is basic and polar, at codon 65 of the TNFRSF4 protein (p.Arg65His). This variant is present in population databases (rs767897638, gnomAD 0.008%). In summary, the available evidence is currently insufficient to determine the role of this variant in disease. Therefore, it has been classified as a Variant of Uncertain Significance. Algorithms developed to predict the effect of missense changes on protein structure and function output the following: SIFT: "Tolerated"; PolyPhen-2: "Benign"; Align-GVGD: "Class C0". The histidine amino acid residue is found in multiple mammalian species, which suggests that this missense change does not adversely affect protein function. ClinVar contains an entry for this variant (Variation ID: 855630). This variant has not been reported in the literature in individuals affected with TNFRSF4-related conditions.

NM_003327.4(TNFRSF4):c.194G>A (p.Arg65His)

Gene: TNFRSF4 (TNF receptor superfamily member 4; minus strand). Cytogenetic location: 1p36.33.
Variant type: single nucleotide variant.
Coding change: c.194G>A on transcript NM_003327.4 (MANE Select); coding-DNA position 194, G replaced by A.
Protein change: p.Arg65His; replaces arginine 65 with histidine.
Molecular consequence: missense variant.
Genome position (GRCh38, 1-based): chr1:1,213,737, C>T on the plus strand (G>A on the coding strand, the complement: TNFRSF4 is on the minus strand). VCF-style: chr1-1213737-C-T. GRCh37 (hg19) VCF-style: chr1-1149117-C-T.
Other names: short protein forms R65H.
Identifiers: ClinVar variation 855630 (VCV000855630.8), dbSNP rs767897638, ClinGen allele CA512629.